The following is an entry in ClinVar:

NM_001378454.1(ALMS1):c.5587C>T (p.Gln1863Ter)

Gene: ALMS1 (ALMS1 centrosome and basal body associated protein; plus strand). Cytogenetic location: 2p13.1.
Variant type: single nucleotide variant.
Coding change: c.5587C>T on transcript NM_001378454.1 (MANE Select); coding-DNA position 5587, C replaced by T.
Protein change: p.Gln1863Ter; replaces glutamine 1863 with a stop codon.
Molecular consequence: nonsense.
Genome position (GRCh38, 1-based): chr2:73,452,114, C>T. VCF-style: chr2-73452114-C-T. GRCh37 (hg19) VCF-style: chr2-73679241-C-T.
Other names: c.5590C>T, p.Gln1864Ter (NM_015120.4); short protein forms Q1864*, Q1863*.
Identifiers: ClinVar variation 403915 (VCV000403915.6), dbSNP rs769440001, ClinGen allele CA1713910.

ClinVar aggregate classification (germline): Pathogenic (1 of 4 stars; one submission).

Conditions:
Alstrom syndrome (ALMS). Identifiers: Orphanet 64, MedGen C0268425, MONDO:0008763, OMIM 203800.

Allele frequency attached by ClinVar (database versions not stated): gnomAD exomes below 0.00001; ExAC 0.00001.
gnomAD v4.1: 3 of 1,613,936 alleles (0.00019%); highest among the groups gnomAD compares: Non-Finnish European, 0.00025%; no homozygotes.

Submission:

Labcorp Genetics (formerly Invitae), Labcorp
Classification: Pathogenic for Alstrom syndrome. Last evaluated: 2016-10-09. Review status: criteria provided, single submitter. Criteria: Invitae Variant Classification Sherloc (09022015). Collection method: clinical testing. Allele origin: germline.
Comment: This sequence change creates a premature translational stop signal at codon 1864 (p.Gln1864*) of the ALMS1 gene. It is expected to result in an absent or disrupted protein product. While this particular variant has not been reported in the literature, loss-of-function variants in ALMS1 are known to be pathogenic (PMID: PMID: 17594715). For these reasons, this variant has been classified as Pathogenic.

Literature cited by the submitters: PubMed 17594715.